The following is an entry in ClinVar:

NM_182961.4(SYNE1):c.24493C>A (p.Gln8165Lys)

Gene: SYNE1 (spectrin repeat containing nuclear envelope protein 1; minus strand). Cytogenetic location: 6q25.2.
Variant type: single nucleotide variant.
Coding change: c.24493C>A on transcript NM_182961.4 (MANE Select); coding-DNA position 24493, C replaced by A.
Protein change: p.Gln8165Lys; replaces glutamine 8165 with lysine.
Molecular consequence: missense variant.
Genome position (GRCh38, 1-based): chr6:152,149,626, G>T on the plus strand (C>A on the coding strand, the complement: SYNE1 is on the minus strand). VCF-style: chr6-152149626-G-T. GRCh37 (hg19) VCF-style: chr6-152470761-G-T.
Other names: c.1099C>A, p.Gln367Lys (NM_001347701.2); c.958C>A, p.Gln320Lys (NM_001347702.2); c.24280C>A, p.Gln8094Lys (NM_033071.5); short protein forms Q320K, Q367K, Q8094K, Q8165K.
Identifiers: ClinVar variation 3756466 (VCV003756466.2).

ClinVar aggregate classification (germline): Uncertain significance (1 of 4 stars; one submission).

Conditions:
Emery-Dreifuss muscular dystrophy 4, autosomal dominant (EDMD4). Also called: EMERY-DREIFUSS MUSCULAR DYSTROPHY 4 WITH VARIABLE FEATURES. Identifiers: Orphanet 261, MedGen C2751807, MONDO:0013071, OMIM 612998.
Autosomal recessive ataxia, Beauce type. Also called: Spinocerebellar ataxia, autosomal recessive 8; ATAXIA, RECESSIVE, OF BEAUCE; SYNE1-Related Autosomal Recessive Cerebellar Ataxia; SYNE1 Deficiency. Identifiers: Orphanet 88644, MedGen C1853116, MONDO:0012549, OMIM 610743.

Submission:

Labcorp Genetics (formerly Invitae), Labcorp
Classification: Uncertain significance for Emery-Dreifuss muscular dystrophy 4, autosomal dominant; Autosomal recessive ataxia, Beauce type. Last evaluated: 2024-12-26. Review status: criteria provided, single submitter. Criteria: Invitae Variant Classification Sherloc (09022015). Collection method: clinical testing. Allele origin: germline.
Comment: This sequence change replaces glutamine, which is neutral and polar, with lysine, which is basic and polar, at codon 8094 of the SYNE1 protein (p.Gln8094Lys). This variant is not present in population databases (gnomAD no frequency). This variant has not been reported in the literature in individuals affected with SYNE1-related conditions. An algorithm developed to predict the effect of missense changes on protein structure and function (PolyPhen-2) suggests that this variant is likely to be tolerated. In summary, the available evidence is currently insufficient to determine the role of this variant in disease. Therefore, it has been classified as a Variant of Uncertain Significance.